The following is an entry in ClinVar:

NM_004963.4(GUCY2C):c.1661A>C (p.Asp554Ala)

Gene: GUCY2C (guanylate cyclase 2C; minus strand). Cytogenetic location: 12p12.3.
Variant type: single nucleotide variant.
Coding change: c.1661A>C on transcript NM_004963.4 (MANE Select); coding-DNA position 1661, A replaced by C.
Protein change: p.Asp554Ala; replaces aspartic acid 554 with alanine.
Molecular consequence: missense variant.
Genome position (GRCh38, 1-based): chr12:14,651,456, T>G on the plus strand (A>C on the coding strand, the complement: GUCY2C is on the minus strand). VCF-style: chr12-14651456-T-G. GRCh37 (hg19) VCF-style: chr12-14804390-T-G.
Other names: short protein forms D554A.
Identifiers: ClinVar variation 1498929 (VCV001498929.8), dbSNP rs1228960944, ClinGen allele CA383988494.

ClinVar aggregate classification (germline): Uncertain significance (1 of 4 stars; one submission).

Allele frequency attached by ClinVar (database versions not stated): gnomAD exomes below 0.00001; gnomAD 0.00001; TOPMed 0.00001.
gnomAD v4.1: 2 of 1,607,944 alleles (0.00012%); highest among the groups gnomAD compares: Non-Finnish European, 0.00017%; no homozygotes.

Submission:

Labcorp Genetics (formerly Invitae), Labcorp
Classification: Uncertain significance. Last evaluated: 2022-08-23. Review status: criteria provided, single submitter. Criteria: Invitae Variant Classification Sherloc (09022015). Collection method: clinical testing. Allele origin: germline.
Comment: ClinVar contains an entry for this variant (Variation ID: 1498929). This sequence change replaces aspartic acid, which is acidic and polar, with alanine, which is neutral and non-polar, at codon 554 of the GUCY2C protein (p.Asp554Ala). This variant is present in population databases (no rsID available, gnomAD 0.002%). This variant has not been reported in the literature in individuals affected with GUCY2C-related conditions. Algorithms developed to predict the effect of missense changes on protein structure and function (SIFT, PolyPhen-2, Align-GVGD) all suggest that this variant is likely to be disruptive. In summary, the available evidence is currently insufficient to determine the role of this variant in disease. Therefore, it has been classified as a Variant of Uncertain Significance.